The following is an entry in ClinVar:

NM_030962.4(SBF2):c.5399C>A (p.Ala1800Asp)

Genes: SBF2 (SET binding factor 2; minus strand), SBF2-AS1 (SBF2 antisense RNA 1; plus strand), LOC105369149 (uncharacterized LOC105369149; plus strand). Cytogenetic location: 11p15.4.
Variant type: single nucleotide variant.
Coding change: c.5399C>A on transcript NM_030962.4 (MANE Select); coding-DNA position 5399, C replaced by A.
Protein change: p.Ala1800Asp; replaces alanine 1800 with aspartic acid.
Molecular consequence: missense variant.
Genome position (GRCh38, 1-based): chr11:9,781,559, G>T on the plus strand (C>A on the coding strand, the complement: SBF2 is on the minus strand). VCF-style: chr11-9781559-G-T. GRCh37 (hg19) VCF-style: chr11-9803106-G-T.
Other names: c.5495C>A, p.Ala1832Asp (NM_001386339.1); c.5270C>A, p.Ala1757Asp (NM_001386342.1); short protein forms A1757D, A1832D, A1800D.
Identifiers: ClinVar variation 2108417 (VCV002108417.4), dbSNP rs745534248, ClinGen allele CA379630256.

ClinVar aggregate classification (germline): Uncertain significance (1 of 4 stars; one submission).

Conditions:
Charcot-Marie-Tooth disease type 4. Also called: Charcot-Marie-Tooth disease, type IV; Charcot-Marie-Tooth, Type 4. Identifiers: Orphanet 64749, MedGen C4082197, MONDO:0018995.

Submission:

Labcorp Genetics (formerly Invitae), Labcorp
Classification: Uncertain significance for Charcot-Marie-Tooth disease type 4. Last evaluated: 2022-03-10. Review status: criteria provided, single submitter. Criteria: Invitae Variant Classification Sherloc (09022015). Collection method: clinical testing. Allele origin: germline.
Comment: In summary, the available evidence is currently insufficient to determine the role of this variant in disease. Therefore, it has been classified as a Variant of Uncertain Significance. Algorithms developed to predict the effect of missense changes on protein structure and function are either unavailable or do not agree on the potential impact of this missense change (SIFT: "Deleterious"; PolyPhen-2: "Possibly Damaging"; Align-GVGD: "Class C0"). This variant has not been reported in the literature in individuals affected with SBF2-related conditions. This variant is not present in population databases (gnomAD no frequency). This sequence change replaces alanine, which is neutral and non-polar, with aspartic acid, which is acidic and polar, at codon 1800 of the SBF2 protein (p.Ala1800Asp).